The following is an entry in ClinVar:

ClinVar aggregate classification (germline): Uncertain significance (1 of 4 stars; one submission).

Conditions:
Bardet-Biedl syndrome (BBS). Identifiers: Orphanet 110, MedGen C0752166, MONDO:0015229.
McKusick-Kaufman syndrome (MKKS). Also called: HYDROMETROCOLPOS SYNDROME; HYDROMETROCOLPOS, POSTAXIAL POLYDACTYLY, AND CONGENITAL HEART MALFORMATION. Identifiers: Orphanet 2473, MedGen C0948368, MONDO:0009367, OMIM 236700.

gnomAD v4.1: 1 of 1,613,838 alleles (0.000062%); highest among the groups gnomAD compares: Non-Finnish European, 0.000085%; no homozygotes.

Submission:

Labcorp Genetics (formerly Invitae), Labcorp
Classification: Uncertain significance for McKusick-Kaufman syndrome; Bardet-Biedl syndrome. Last evaluated: 2025-08-25. Review status: criteria provided, single submitter. Criteria: Invitae Variant Classification Sherloc (09022015). Collection method: clinical testing. Allele origin: germline.
Comment: This sequence change replaces alanine, which is neutral and non-polar, with glycine, which is neutral and non-polar, at codon 181 of the MKKS protein (p.Ala181Gly). This variant is not present in population databases (gnomAD no frequency). This variant has not been reported in the literature in individuals affected with MKKS-related conditions. Invitae Evidence Modeling of protein sequence and biophysical properties (such as structural, functional, and spatial information, amino acid conservation, physicochemical variation, residue mobility, and thermodynamic stability) has been performed for this missense variant. However, the output from this modeling did not meet the statistical confidence thresholds required to predict the impact of this variant on MKKS protein function. In summary, the available evidence is currently insufficient to determine the role of this variant in disease. Therefore, it has been classified as a Variant of Uncertain Significance.

NM_170784.3(MKKS):c.542C>G (p.Ala181Gly)

Gene: MKKS (MKKS centrosomal shuttling protein; minus strand). Cytogenetic location: 20p12.2.
Variant type: single nucleotide variant.
Coding change: c.542C>G on transcript NM_170784.3 (MANE Select); coding-DNA position 542, C replaced by G.
Protein change: p.Ala181Gly; replaces alanine 181 with glycine.
Molecular consequence: missense variant.
Genome position (GRCh38, 1-based): chr20:10,412,973, G>C on the plus strand (C>G on the coding strand, the complement: MKKS is on the minus strand). VCF-style: chr20-10412973-G-C. GRCh37 (hg19) VCF-style: chr20-10393621-G-C.
Other names: c.542C>G, p.Ala181Gly (NM_018848.3); short protein forms A181G.
Identifiers: ClinVar variation 4793299 (VCV004793299.1).